The following is an entry in ClinVar:

ClinVar aggregate classification (germline): Conflicting classifications of pathogenicity. Review status: criteria provided, conflicting classifications (1 of 4 stars). 2 submissions from 2 submitters: Uncertain significance (1); Likely benign (1). Last evaluated 2023-02-01.

Conditions:
Inborn genetic diseases. Identifiers: MedGen C0950123, MeSH D030342.
Developmental and epileptic encephalopathy, 33 (DEE33). Also called: Epileptic encephalopathy, early infantile, 33. Identifiers: Orphanet 442835, MedGen C4225337, MONDO:0014625, OMIM 616409.

Allele frequency attached by ClinVar (database versions not stated): gnomAD exomes 0.00001 and 0.00003; ExAC 0.00006.
gnomAD v4.1: 13 of 1,612,822 alleles (0.00081%); highest among the groups gnomAD compares: East Asian, 0.0045%; no homozygotes.

Submissions (2):

Ambry Genetics
Classification: Likely benign for Inborn genetic diseases. Last evaluated: 2023-02-01. Review status: criteria provided, single submitter. Criteria: Ambry Variant Classification Scheme 2023. Collection method: clinical testing. Allele origin: germline.

Labcorp Genetics (formerly Invitae), Labcorp
Classification: Uncertain significance for Developmental and epileptic encephalopathy, 33. Last evaluated: 2022-10-03. Review status: criteria provided, single submitter. Criteria: Invitae Variant Classification Sherloc (09022015). Collection method: clinical testing. Allele origin: germline.
Comment: ClinVar contains an entry for this variant (Variation ID: 1415886). This variant has not been reported in the literature in individuals affected with EEF1A2-related conditions. This variant is present in population databases (rs779246304, gnomAD 0.01%). This sequence change replaces aspartic acid, which is acidic and polar, with asparagine, which is neutral and polar, at codon 168 of the EEF1A2 protein (p.Asp168Asn). Advanced modeling of protein sequence and biophysical properties (such as structural, functional, and spatial information, amino acid conservation, physicochemical variation, residue mobility, and thermodynamic stability) performed at Invitae indicates that this missense variant is not expected to disrupt EEF1A2 protein function. In summary, the available evidence is currently insufficient to determine the role of this variant in disease. Therefore, it has been classified as a Variant of Uncertain Significance.

NM_001958.5(EEF1A2):c.502G>A (p.Asp168Asn)

Genes: EEF1A2 (eukaryotic translation elongation factor 1 alpha 2; minus strand), LOC132090595 (Neanderthal introgressed variant-containing enhancer experimental_60987; plus strand). Cytogenetic location: 20q13.33.
Variant type: single nucleotide variant.
Coding change: c.502G>A on transcript NM_001958.5 (MANE Select); coding-DNA position 502, G replaced by A.
Protein change: p.Asp168Asn; replaces aspartic acid 168 with asparagine.
Molecular consequence: missense variant.
Genome position (GRCh38, 1-based): chr20:63,494,924, C>T on the plus strand (G>A on the coding strand, the complement: EEF1A2 is on the minus strand). VCF-style: chr20-63494924-C-T. GRCh37 (hg19) VCF-style: chr20-62126277-C-T.
Other names: c.502G>A (NM_001958.2); short protein forms D168N.
Identifiers: ClinVar variation 1415886 (VCV001415886.9), dbSNP rs779246304, ClinGen allele CA9959091.
Genomic context (GRCh38, chr20:63,494,924, plus strand): 5'-CGGTGGCCGGGTTGTAGCCGATCTTCTTGATGTAGGCGCTGACTTCCTTGACGATCTCGT[C>T]GTAGCGCTTCTCGCTGTAGGCCGGCTCTGTGGAGTCCATTTTGTTCACGCCCACGATGAG-3'
Protein context (NP_001949.1, residues 158-178): TEPAYSEKRY[Asp168Asn]EIVKEVSAYI